The following is an entry in ClinVar:

NM_001854.4(COL11A1):c.1444G>A (p.Ala482Thr)

Gene: COL11A1 (collagen type XI alpha 1 chain; minus strand). Cytogenetic location: 1p21.1.
Variant type: single nucleotide variant.
Coding change: c.1444G>A on transcript NM_001854.4 (MANE Select); coding-DNA position 1444, G replaced by A.
Protein change: p.Ala482Thr; replaces alanine 482 with threonine.
Molecular consequence: missense variant. On other transcripts: non-coding transcript variant (1).
Genome position (GRCh38, 1-based): chr1:103,015,712, C>T on the plus strand (G>A on the coding strand, the complement: COL11A1 is on the minus strand). VCF-style: chr1-103015712-C-T. GRCh37 (hg19) VCF-style: chr1-103481268-C-T.
Other names: c.1327G>A, p.Ala443Thr (NM_001190709.2); c.1480G>A, p.Ala494Thr (NM_080629.3); c.1096G>A, p.Ala366Thr (NM_080630.4); short protein forms A482T, A494T, A443T, A366T.
Identifiers: ClinVar variation 430346 (VCV000430346.9), dbSNP rs150428394, ClinGen allele CA974975.

ClinVar aggregate classification (germline): Conflicting classifications of pathogenicity. Review status: criteria provided, conflicting classifications (1 of 4 stars). 2 submissions from 2 submitters: Uncertain significance (1); Benign (1). Last evaluated 2025-09-04.

Allele frequency attached by ClinVar (database versions not stated): gnomAD exomes 0.00002; ExAC 0.00003; gnomAD 0.00003 and 0.00004; TOPMed 0.00003; ESP Exome Variant Server 0.00008.

Submissions (2):

Labcorp Genetics (formerly Invitae), Labcorp
Classification: Benign. Last evaluated: 2025-09-04. Review status: criteria provided, single submitter. Criteria: Invitae Variant Classification Sherloc (09022015). Collection method: clinical testing. Allele origin: germline.

GeneDx
Classification: Uncertain significance. Last evaluated: 2021-07-12. Review status: criteria provided, single submitter. Criteria: GeneDx Variant Classification Process June 2021. Collection method: clinical testing. Allele origin: germline. Affected: yes.
Comment: Has not been previously published as pathogenic or benign to our knowledge; Not observed at significant frequency in large population cohorts (Lek et al., 2016); In silico analysis supports that this missense variant has a deleterious effect on protein structure/function; This variant is associated with the following publications: (PMID: 27535533)